The following is an entry in ClinVar:

ClinVar aggregate classification (germline): Uncertain significance. Review status: criteria provided, multiple submitters, no conflicts (2 of 4 stars). 3 submissions from 3 submitters: Uncertain significance (3). Last evaluated 2022-12-28.

Conditions:
Inborn genetic diseases. Identifiers: MedGen C0950123, MeSH D030342.

Allele frequency attached by ClinVar (database versions not stated): gnomAD exomes below 0.00001; TOPMed below 0.00001; gnomAD 0.00001.
gnomAD v4.1: 7 of 1,552,472 alleles (0.00045%); highest among the groups gnomAD compares: South Asian, 0.0047%; no homozygotes.

Submissions (3):

Ambry Genetics
Classification: Uncertain significance for Inborn genetic diseases. Last evaluated: 2022-12-28. Review status: criteria provided, single submitter. Criteria: Ambry Variant Classification Scheme 2023. Collection method: clinical testing. Allele origin: germline.

Revvity Omics, Revvity
Classification: Uncertain significance. Last evaluated: 2021-10-07. Review status: criteria provided, single submitter. Criteria: ACMG Guidelines, 2015. Collection method: clinical testing. Allele origin: germline.

GeneDx
Classification: Uncertain significance. Last evaluated: 2021-04-19. Review status: criteria provided, single submitter. Criteria: GeneDx Variant Classification Process June 2021. Collection method: clinical testing. Allele origin: germline. Affected: yes.
Comment: In silico analysis supports that this missense variant has a deleterious effect on protein structure/function; Has not been previously published as pathogenic or benign to our knowledge; Variants in candidate genes are classified as variants of uncertain significance in accordance with ACMG guidelines (Richards et al., 2015)

NM_003074.4(SMARCC1):c.161C>T (p.Ser54Leu)

Gene: SMARCC1 (SWI/SNF related BAF chromatin remodeling complex subunit C1; minus strand). Cytogenetic location: 3p21.31.
Variant type: single nucleotide variant.
Coding change: c.161C>T on transcript NM_003074.4 (MANE Select); coding-DNA position 161, C replaced by T.
Protein change: p.Ser54Leu; replaces serine 54 with leucine.
Molecular consequence: missense variant.
Genome position (GRCh38, 1-based): chr3:47,781,637, G>A on the plus strand (C>T on the coding strand, the complement: SMARCC1 is on the minus strand). VCF-style: chr3-47781637-G-A. GRCh37 (hg19) VCF-style: chr3-47823127-G-A.
Other names: short protein forms S54L.
Identifiers: ClinVar variation 2340510 (VCV002340510.5), dbSNP rs1269050085, ClinGen allele CA352993030.
Genomic context (GRCh38, chr3:47,781,637, plus strand): 5'-CGGCCCCCACGGGCGCGCGAACCCACCTTCTTGTAGTGCTTGCCCAGCCAGACCCGCACC[G>A]AATCCAGCTGGGACACCGTCTCCGGGCTCTCCCAAAACTTGGTGGCCGGGCCCCCATCCT-3'
Protein context (NP_003065.3, residues 44-64): ESPETVSQLD[Ser54Leu]VRVWLGKHYK